The following is an entry in ClinVar:

NM_005045.4(RELN):c.8798C>T (p.Thr2933Ile)

Genes: RELN (reelin; minus strand), SLC26A5-AS1 (SLC26A5 antisense RNA 1; plus strand). Cytogenetic location: 7q22.1.
Variant type: single nucleotide variant.
Coding change: c.8798C>T on transcript NM_005045.4 (MANE Select); coding-DNA position 8798, C replaced by T.
Protein change: p.Thr2933Ile; replaces threonine 2933 with isoleucine.
Molecular consequence: missense variant.
Genome position (GRCh38, 1-based): chr7:103,498,122, G>A on the plus strand (C>T on the coding strand, the complement: RELN is on the minus strand). VCF-style: chr7-103498122-G-A. GRCh37 (hg19) VCF-style: chr7-103138569-G-A.
Other names: c.8798C>T, p.Thr2933Ile (NM_173054.3); short protein forms T2933I.
Identifiers: ClinVar variation 130144 (VCV000130144.45), dbSNP rs201656873, ClinGen allele CA154945.

ClinVar aggregate classification (germline): Conflicting classifications of pathogenicity. Review status: criteria provided, conflicting classifications (1 of 4 stars). 9 submissions from 9 submitters: Uncertain significance (2); Likely benign (3). 4 of the submissions do not count toward it. Last evaluated 2026-07-29.

Conditions:
RELN-related disorder. Also called: RELN-related condition.
Norman-Roberts syndrome (LIS2). Also called: Lissencephaly 2 (Norman-Roberts type). Identifiers: Orphanet 89844, MedGen C0796089, MONDO:0009760, OMIM 257320.
Familial temporal lobe epilepsy 7. Identifiers: Orphanet 101046, MedGen C4225327, MONDO:0014639, OMIM 616436.
Inborn genetic diseases. Identifiers: MedGen C0950123, MeSH D030342.

Allele frequency attached by ClinVar (database versions not stated): gnomAD 0.00019 and 0.00023; TOPMed 0.00019; gnomAD exomes 0.00021 and 0.00022; ExAC 0.00022; ESP Exome Variant Server 0.00023; 1000 Genomes Project 0.00060; 1000 Genomes Project 30x 0.00109.
gnomAD v4.1: 354 of 1,614,114 alleles (0.022%); highest among the groups gnomAD compares: Middle Eastern, 0.099%; 3 homozygotes.

Submissions (9):

Ambry Genetics
Classification: Uncertain significance for Inborn genetic diseases. Last evaluated: 2026-07-29. Review status: criteria provided, single submitter. Criteria: Ambry Variant Classification Scheme 2023. Collection method: clinical testing. Allele origin: germline.
Comment: The c.8798C>T (p.T2933I) alteration is located in exon 54 (coding exon 54) of the RELN gene. This alteration results from a C to T substitution at nucleotide position 8798, causing the threonine (T) at amino acid position 2933 to be replaced by an isoleucine (I). Based on data from gnomAD, the T allele has an overall frequency of 0.02% (57/282536) total alleles studied. The highest observed frequency was 0.068% (7/10362) of Ashkenazi Jewish alleles. This amino acid position is not well conserved in available vertebrate species. This alteration is predicted to be tolerated by in silico analysis. Based on insufficient or conflicting evidence, the clinical significance of this alteration remains unclear.

CeGaT Center for Human Genetics Tuebingen
Classification: Likely benign. Last evaluated: 2026-03-01. Review status: criteria provided, single submitter. Criteria: CeGaT Center For Human Genetics Tuebingen Variant Classification Criteria Version 2. Collection method: clinical testing. Allele origin: germline. Affected: yes. Observed: 4 variant alleles.
Comment: RELN: BS2

Labcorp Genetics (formerly Invitae), Labcorp
Classification: Likely benign for Familial temporal lobe epilepsy 7; Norman-Roberts syndrome. Last evaluated: 2025-12-08. Review status: criteria provided, single submitter. Criteria: Invitae Variant Classification Sherloc (09022015). Collection method: clinical testing. Allele origin: germline.

GeneDx
Classification: Likely benign. Last evaluated: 2020-09-28. Review status: criteria provided, single submitter. Criteria: GeneDx Variant Classification Process June 2021. Collection method: clinical testing. Allele origin: germline. Affected: yes.
Comment: This variant is associated with the following publications: (PMID: 31112269, 27352968, 26302956)

Illumina Laboratory Services, Illumina
Classification: Uncertain significance for Norman-Roberts syndrome. Last evaluated: 2018-01-13. Review status: criteria provided, single submitter. Criteria: ICSL Variant Classification Criteria 13 December 2019. Collection method: clinical testing. Allele origin: germline.

PreventionGenetics, part of Exact Sciences
Classification: Likely benign for RELN-related condition. Last evaluated: 2024-08-05. Review status: no assertion criteria provided. Collection method: clinical testing. Allele origin: germline. Not counted in ClinVar's aggregate classification.
Comment: This variant is classified as likely benign based on ACMG/AMP sequence variant interpretation guidelines (Richards et al. 2015 PMID: 25741868, with internal and published modifications).

Clinical Genetics DNA and cytogenetics Diagnostics Lab, Erasmus MC, Erasmus Medical Center
Classification: Uncertain significance. Review status: no assertion criteria provided. Collection method: clinical testing. Allele origin: germline. Affected: yes. Study: VKGL Data-share Consensus. Not counted in ClinVar's aggregate classification.

Diagnostic Laboratory, Department of Genetics, University Medical Center Groningen
Classification: Uncertain significance. Review status: no assertion criteria provided. Collection method: clinical testing. Allele origin: germline. Affected: yes. Study: VKGL Data-share Consensus. Not counted in ClinVar's aggregate classification.

Genetic Services Laboratory, University of Chicago
Classification: Likely benign for AllHighlyPenetrant. Review status: no assertion criteria provided. Collection method: clinical testing. Allele origin: germline. Inheritance: Autosomal recessive inheritance. Not counted in ClinVar's aggregate classification.
Comment: Likely benign based on allele frequency in 1000 Genomes Project or ESP global frequency and its presence in a patient with a rare or unrelated disease phenotype. NOT Sanger confirmed.